The following is an entry in ClinVar:

ClinVar aggregate classification (germline): Conflicting classifications of pathogenicity. Review status: criteria provided, conflicting classifications (1 of 4 stars). 5 submissions from 5 submitters: Uncertain significance (3); Likely benign (1). 1 of the submissions does not count toward it. Last evaluated 2026-06-26.

Conditions:
PKHD1-related disorder. Also called: PKHD1-related condition.
Autosomal recessive polycystic kidney disease (ARPKD). Also called: AR polycystic kidney disease. Identifiers: Orphanet 731, Orphanet 8378, MedGen C0085548, MeSH D017044, MONDO:0009889.
Polycystic kidney disease 4 (PKD4). Also called: PKD3; POLYCYSTIC KIDNEY DISEASE 4 WITH OR WITHOUT POLYCYSTIC LIVER DISEASE; POLYCYSTIC KIDNEY AND HEPATIC DISEASE 1; POLYCYSTIC KIDNEY DISEASE, INFANTILE, TYPE I; Autosomal Recessive Polycystic Kidney Disease – PKHD1. Identifiers: MedGen C4540575, MONDO:0033004, OMIM 263200.

Allele frequency attached by ClinVar (database versions not stated): ExAC 0.00008; ESP Exome Variant Server 0.00008; gnomAD 0.00021; TOPMed 0.00022; 1000 Genomes Project 0.00060; 1000 Genomes Project 30x 0.00062.
gnomAD v4.1: 70 of 1,613,208 alleles (0.0043%); highest among the groups gnomAD compares: African/African-American, 0.065%; no homozygotes.

Submissions (5):

GeneDx
Classification: Uncertain significance. Last evaluated: 2026-06-26. Review status: criteria provided, single submitter. Criteria: GeneDx Variant Classification Process June 2021. Collection method: clinical testing. Allele origin: germline.
Comment: In silico analysis suggests that this missense variant does not alter protein structure/function; Has not been previously published as pathogenic or benign to our knowledge

PreventionGenetics, part of Exact Sciences
Classification: Uncertain significance for PKHD1-related condition. Last evaluated: 2025-11-09. Review status: criteria provided, single submitter. Criteria: ACMG Guidelines, 2015. Collection method: clinical testing. Allele origin: germline.
Comment: The PKHD1 c.8141G>A variant is predicted to result in the amino acid substitution p.Arg2714Gln. To our knowledge, this variant has not been reported in the literature. This variant is reported in 0.076% of alleles in individuals of African descent in gnomAD, which may be too frequent to be a primary cause of disease. Although we suspect that this variant may be benign, at this time, the clinical significance of this variant is uncertain due to the absence of conclusive functional and genetic evidence.

Labcorp Genetics (formerly Invitae), Labcorp
Classification: Likely benign for Autosomal recessive polycystic kidney disease. Last evaluated: 2025-06-12. Review status: criteria provided, single submitter. Criteria: Invitae Variant Classification Sherloc (09022015). Collection method: clinical testing. Allele origin: germline.

Fulgent Genetics
Classification: Uncertain significance for Polycystic kidney disease 4. Last evaluated: 2024-04-22. Review status: criteria provided, single submitter. Criteria: ACMG Guidelines, 2015. Collection method: clinical testing. Allele origin: germline.

Natera, Inc.
Classification: Uncertain significance for Autosomal recessive polycystic kidney disease. Last evaluated: 2018-06-13. Review status: no assertion criteria provided. Collection method: clinical testing. Allele origin: germline. Not counted in ClinVar's aggregate classification.

NM_138694.4(PKHD1):c.8141G>A (p.Arg2714Gln)

Gene: PKHD1 (PKHD1 ciliary IPT domain containing fibrocystin/polyductin; minus strand). Cytogenetic location: 6p12.2.
Variant type: single nucleotide variant.
Coding change: c.8141G>A on transcript NM_138694.4 (MANE Select); coding-DNA position 8141, G replaced by A.
Protein change: p.Arg2714Gln; replaces arginine 2714 with glutamine.
Molecular consequence: missense variant.
Genome position (GRCh38, 1-based): chr6:51,836,436, C>T on the plus strand (G>A on the coding strand, the complement: PKHD1 is on the minus strand). VCF-style: chr6-51836436-C-T. GRCh37 (hg19) VCF-style: chr6-51701234-C-T.
Other names: c.8141G>A, p.Arg2714Gln (NM_170724.3); short protein forms R2714Q.
Identifiers: ClinVar variation 835198 (VCV000835198.14), dbSNP rs371665285, ClinGen allele CA3851727.